The following is an entry in ClinVar:

NM_021930.6(RINT1):c.1390T>C (p.Tyr464His)

Gene: RINT1 (RAD50 interactor 1; plus strand). Cytogenetic location: 7q22.3.
Variant type: single nucleotide variant.
Coding change: c.1390T>C on transcript NM_021930.6 (MANE Select); coding-DNA position 1390, T replaced by C.
Protein change: p.Tyr464His; replaces tyrosine 464 with histidine.
Molecular consequence: missense variant. On other transcripts: non-coding transcript variant (1).
Genome position (GRCh38, 1-based): chr7:105,551,626, T>C. VCF-style: chr7-105551626-T-C. GRCh37 (hg19) VCF-style: chr7-105192073-T-C.
Other names: c.1156T>C, p.Tyr386His (NM_001346599.2); c.367T>C, p.Tyr123His (NM_001346600.2, NM_001346603.2); c.466T>C, p.Tyr156His (NM_001346601.2); short protein forms Y464H, Y156H, Y123H, Y386H.
Identifiers: ClinVar variation 410807 (VCV000410807.10), dbSNP rs555353133, ClinGen allele CA16612119.

ClinVar aggregate classification (germline): Uncertain significance (1 of 4 stars; one submission).

Allele frequency attached by ClinVar (database versions not stated): gnomAD 0.00001; 1000 Genomes Project 0.00020; 1000 Genomes Project 30x 0.00031.
gnomAD v4.1: 1 of 1,612,036 alleles (0.000062%); highest among the groups gnomAD compares: South Asian, 0.0011%; no homozygotes.

Submission:

Labcorp Genetics (formerly Invitae), Labcorp
Classification: Uncertain significance. Last evaluated: 2022-12-14. Review status: criteria provided, single submitter. Criteria: Invitae Variant Classification Sherloc (09022015). Collection method: clinical testing. Allele origin: germline.
Comment: In summary, the available evidence is currently insufficient to determine the role of this variant in disease. Therefore, it has been classified as a Variant of Uncertain Significance. Algorithms developed to predict the effect of missense changes on protein structure and function are either unavailable or do not agree on the potential impact of this missense change (SIFT: "Tolerated"; PolyPhen-2: "Probably Damaging"; Align-GVGD: "Class C0"). ClinVar contains an entry for this variant (Variation ID: 410807). This variant has not been reported in the literature in individuals affected with RINT1-related conditions. This variant is not present in population databases (gnomAD no frequency). This sequence change replaces tyrosine, which is neutral and polar, with histidine, which is basic and polar, at codon 464 of the RINT1 protein (p.Tyr464His).